The following is an entry in ClinVar:

ClinVar aggregate classification (germline): Conflicting classifications of pathogenicity. Review status: criteria provided, conflicting classifications (1 of 4 stars). 6 submissions from 6 submitters: Likely pathogenic (2); Uncertain significance (3). 1 of the submissions does not count toward it. Last evaluated 2025-11-17.

Conditions:
Pyruvate dehydrogenase E2 deficiency (PDHDD). Also called: Dihydrolipoamide Acetyltransferase (E2) Deficiency; LACTIC ACIDEMIA DUE TO DEFECT OF E2 LIPOYL TRANSACETYLASE OF THE PYRUVATE DEHYDROGENASE COMPLEX. Identifiers: Orphanet 765, Orphanet 79244, MedGen C1855565, MONDO:0009502, OMIM 245348.

Allele frequency attached by ClinVar (database versions not stated): TOPMed below 0.00001; gnomAD 0.00001; gnomAD exomes 0.00001.
gnomAD v4.1: 6 of 1,613,398 alleles (0.00037%); highest among the groups gnomAD compares: South Asian, 0.0022%; no homozygotes.

Submissions (6):

Women's Health and Genetics/Laboratory Corporation of America, LabCorp
Classification: Uncertain significance. Last evaluated: 2025-11-17. Review status: criteria provided, single submitter. Criteria: LabCorp Variant Classification Summary - May 2015. Collection method: clinical testing. Allele origin: germline.
Comment: Variant summary: DLAT c.1728C>A (p.Phe576Leu) results in a non-conservative amino acid change in the encoded protein sequence. Algorithms developed to predict the effect of missense changes on protein structure and function are either unavailable or do not agree on the potential impact of this missense change. The variant allele was found at a frequency of 1.2e-05 in 250540 control chromosomes. c.1728C>A has been observed in the homozygous state in an individual affected with Pyruvate Dehydrogenase E2 Deficiency (Head_2005). PDH activity measured in cells from the homozygous patient was approximately 50% that of the activity measured in normal controls and expression of the wild type protein in the homozygous patient's cells restored the PDH activity to normal levels (Head_2005). These data indicate that the variant may be associated with disease. The following publication has been ascertained in the context of this evaluation (PMID: 16049940). ClinVar contains an entry for this variant (Variation ID: 2110). Based on the evidence outlined above, the variant was classified as VUS-possibly pathogenic.

Genomic Medicine Center of Excellence, King Faisal Specialist Hospital and Research Centre
Classification: Likely pathogenic for Pyruvate dehydrogenase E2 deficiency. Last evaluated: 2025-09-10. Review status: criteria provided, single submitter. Criteria: ACMG Guidelines, 2015. Collection method: clinical testing. Allele origin: germline.

Victorian Clinical Genetics Services, Murdoch Childrens Research Institute
Classification: Uncertain significance for Pyruvate dehydrogenase E2 deficiency. Last evaluated: 2024-09-20. Review status: criteria provided, single submitter. Criteria: ACMG Guidelines, 2015. Collection method: clinical testing. Allele origin: germline. Inheritance: Autosomal recessive inheritance. Affected: no.
Comment: Based on the classification scheme VCGS_Germline_v1.3.4, this variant is classified as VUS-3B. Following criteria are met: 0102 - Loss of function is a known mechanism of disease in this gene and is associated with pyruvate dehydrogenase E2 deficiency (MIM#245348). (I) 0106 - This gene is associated with autosomal recessive disease. (I) 0200 - Variant is predicted to result in a missense amino acid change from phenylalanine to leucine. (I) 0251 - This variant is heterozygous. (I) 0304 - Variant is present in gnomAD <0.01 for a recessive condition (3 heterozygotes, 0 homozygotes). (SP) 0502 - Missense variant with conflicting in silico predictions and uninformative conservation. (I) 0600 - Variant is located in the annotated 2-oxoacid dehydrogenases acyltransferase catalytic domain (DECIPHER). (I) 0705 - No comparable missense variants have previous evidence for pathogenicity. (I) 0803 - This variant has limited previous evidence of pathogenicity in two unrelated individuals. This variant has been submitted to ClinVar once as pathogenic. This variant was also identified in a homozygous individual with pyruvate dehydrogenase deficiency (PMID: 16049940). (SP) 0905 - No published segregation evidence has been identified for this variant. (I) 1001 - This variant has strong functional evidence supporting abnormal protein function. Patient fibroblasts from a homozygous individual showed reduced PHD activity, which increased to normal levels after treatment with transfected WT DLAT gene (PMID: 16049940). (I) Legend: (SP) - Supporting pathogenic, (I) - Information, (SB) - Supporting benign

Blueprint Genetics
Classification: Uncertain significance. Last evaluated: 2023-04-11. Review status: criteria provided, single submitter. Criteria: ACMG Guidelines, 2015. Collection method: clinical testing. Allele origin: germline.

Revvity Omics, Revvity
Classification: Likely pathogenic for Pyruvate dehydrogenase E2 deficiency. Last evaluated: 2022-07-12. Review status: criteria provided, single submitter. Criteria: ACMG Guidelines, 2015. Collection method: clinical testing. Allele origin: germline.

OMIM
Classification: Pathogenic for PYRUVATE DEHYDROGENASE E2 DEFICIENCY. Last evaluated: 2005-08-01. Review status: no assertion criteria provided. Collection method: literature only. Allele origin: germline. Not counted in ClinVar's aggregate classification.

Literature cited by the submitters: PubMed 16049940 (cited by 3 submitters).

NM_001931.5(DLAT):c.1728C>A (p.Phe576Leu)

Genes: DLAT (dihydrolipoamide S-acetyltransferase; plus strand), PIH1D2 (PIH1 domain containing 2; minus strand). Cytogenetic location: 11q23.1.
Variant type: single nucleotide variant.
Coding change: c.1728C>A on transcript NM_001931.5 (MANE Select); coding-DNA position 1728, C replaced by A.
Protein change: p.Phe576Leu; replaces phenylalanine 576 with leucine.
Molecular consequence: missense variant. On other transcripts: non-coding transcript variant (1).
Genome position (GRCh38, 1-based): chr11:112,061,088, C>A. VCF-style: chr11-112061088-C-A. GRCh37 (hg19) VCF-style: chr11-111931812-C-A.
Other names: c.1728C>A (NM_001931.4); c.1746C>A, p.Phe582Leu (NM_001372031.1); c.1722C>A, p.Phe574Leu (NM_001372032.1); c.1707C>A, p.Phe569Leu (NM_001372033.1); c.1695C>A, p.Phe565Leu (NM_001372034.1); c.1620C>A, p.Phe540Leu (NM_001372035.1); c.1602C>A, p.Phe534Leu (NM_001372036.1); c.1560C>A, p.Phe520Leu (NM_001372037.1); and 5 more; short protein forms F576L, F435L, F582L, F449L, F483L, F520L, F540L, F574L.
Identifiers: ClinVar variation 2110 (VCV000002110.10), dbSNP rs119103240, ClinGen allele CA115349.